The following is an entry in ClinVar:

ClinVar aggregate classification (germline): Conflicting classifications of pathogenicity. Review status: criteria provided, conflicting classifications (1 of 4 stars). 9 submissions from 7 submitters: Uncertain significance (3); Benign (1); Likely benign (5). Last evaluated 2026-07-01.

Conditions:
RYR1-related disorder. Also called: RYR1-related disorders; RYR1-related condition. Identifiers: MedGen CN239331.
Central core myopathy (CMYO1A). Also called: CONGENITAL MYOPATHY 1A, AUTOSOMAL DOMINANT, WITH SUSCEPTIBILITY TO MALIGNANT HYPERTHERMIA; Central core disease; Myopathy, central fibrillar. Identifiers: Orphanet 597, MedGen C5830701, MONDO:0007294, OMIM 117000.
Congenital multicore myopathy with external ophthalmoplegia (CMYO1B). Also called: MULTIMINICORE DISEASE WITH EXTERNAL OPHTHALMOPLEGIA; Minicore myopathy with external ophthalmoplegia; MULTICORE MYOPATHY; Congenital myopathy 1B, autosomal recessive; Minicore myopathy. Identifiers: Orphanet 598, Orphanet 98905, MedGen C1850674, MONDO:0009712, OMIM 255320, HP:0003789.
Malignant hyperthermia, susceptibility to, 1 (MHS1). Also called: Anesthesia related hyperthermia; Malignant hyperpyrexia; Fulminating hyperpyrexia; Pharmacogenic myopathy; Malignant hyperthermia suceptibility 1; RYR1-Related Malignant Hyperthermia Susceptibility. Identifiers: Orphanet 423, MedGen C2930980, MONDO:0007783, OMIM 145600.

Allele frequency attached by ClinVar (database versions not stated): gnomAD exomes 0.00015; gnomAD 0.00053 and 0.00082; TOPMed 0.00071; 1000 Genomes Project 30x 0.00531.
gnomAD v4.1: 258 of 992,216 alleles (0.026%); highest among the groups gnomAD compares: East Asian, 2.5%; 2 homozygotes.

Submissions (9):

CeGaT Center for Human Genetics Tuebingen
Classification: Likely benign. Last evaluated: 2026-07-01. Review status: criteria provided, single submitter. Criteria: CeGaT Center For Human Genetics Tuebingen Variant Classification Criteria Version 2. Collection method: clinical testing. Allele origin: germline. Affected: yes. Observed: 3 variant alleles.
Comment: RYR1: PM5, PP3, BS1

PreventionGenetics, part of Exact Sciences
Classification: Likely benign for RYR1-related condition. Last evaluated: 2026-03-28. Review status: criteria provided, single submitter. Criteria: ACMG Guidelines, 2015. Collection method: clinical testing. Allele origin: germline.
Comment: This variant is classified as likely benign based on ACMG/AMP sequence variant interpretation guidelines (Richards et al. 2015 PMID: 25741868, with internal and published modifications).

Labcorp Genetics (formerly Invitae), Labcorp
Classification: Benign for RYR1-related disorder. Last evaluated: 2026-02-02. Review status: criteria provided, single submitter. Criteria: Invitae Variant Classification Sherloc (09022015). Collection method: clinical testing. Allele origin: germline.

Mayo Clinic Laboratories, Mayo Clinic
Classification: Likely benign. Last evaluated: 2025-10-24. Review status: criteria provided, single submitter. Criteria: ACMG Guidelines, 2015. Collection method: clinical testing. Allele origin: germline. Observed: 1 variant allele.
Comment: BS1, BP4

Blueprint Genetics
Classification: Likely benign. Last evaluated: 2024-11-25. Review status: criteria provided, single submitter. Criteria: ACMG Guidelines, 2015. Collection method: clinical testing. Allele origin: germline.

GeneDx
Classification: Likely benign. Last evaluated: 2020-01-15. Review status: criteria provided, single submitter. Criteria: GeneDx Variant Classification Process June 2021. Collection method: clinical testing. Allele origin: germline. Affected: yes.

Illumina Laboratory Services, Illumina
Classification: Uncertain significance for Central core myopathy. Last evaluated: 2018-01-13. Review status: criteria provided, single submitter. Criteria: ICSL Variant Classification Criteria 13 December 2019. Collection method: clinical testing. Allele origin: germline.

Illumina Laboratory Services, Illumina
Classification: Uncertain significance for Congenital multicore myopathy with external ophthalmoplegia. Last evaluated: 2018-01-13. Review status: criteria provided, single submitter. Criteria: ICSL Variant Classification Criteria 13 December 2019. Collection method: clinical testing. Allele origin: germline.

Illumina Laboratory Services, Illumina
Classification: Uncertain significance for Malignant hyperthermia, susceptibility to, 1. Last evaluated: 2018-01-13. Review status: criteria provided, single submitter. Criteria: ICSL Variant Classification Criteria 13 December 2019. Collection method: clinical testing. Allele origin: germline.

Literature cited by the submitters: PubMed 31998224 (cited by Mayo Clinic Laboratories, Mayo Clinic); PubMed 32236737 (cited by Mayo Clinic Laboratories, Mayo Clinic); PubMed 32919876 (cited by Mayo Clinic Laboratories, Mayo Clinic).

NM_000540.3(RYR1):c.12880A>G (p.Thr4294Ala)

Gene: RYR1 (ryanodine receptor 1; plus strand). Cytogenetic location: 19q13.2.
Variant type: single nucleotide variant.
Coding change: c.12880A>G on transcript NM_000540.3 (MANE Select); coding-DNA position 12880, A replaced by G.
Protein change: p.Thr4294Ala; replaces threonine 4294 with alanine.
Molecular consequence: missense variant.
Genome position (GRCh38, 1-based): chr19:38,565,214, A>G. VCF-style: chr19-38565214-A-G. GRCh37 (hg19) VCF-style: chr19-39055854-A-G.
Other names: p.Thr4294Ala; c.12865A>G, p.Thr4289Ala (NM_001042723.2); short protein forms T4294A, T4289A.
Identifiers: ClinVar variation 478177 (VCV000478177.62), dbSNP rs1003914966, ClinGen allele CA308109322.